The following is an entry in ClinVar:

NM_001384732.1(CPLANE1):c.8225_8248dup (p.His2749_Gln2750insProAlaProSerSerAlaAlaHis)

Gene: CPLANE1 (ciliogenesis and planar polarity effector complex subunit 1; minus strand). Cytogenetic location: 5p13.2.
Variant type: Duplication.
Coding change: c.8225_8248dup on transcript NM_001384732.1 (MANE Select); coding-DNA positions 8225 to 8248, 24 bases duplicated (CTGCACCAAGCTCTGCAGCTCACC).
Protein change: p.His2749_Gln2750insProAlaProSerSerAlaAlaHis.
Molecular consequence: inframe insertion.
Genome position (GRCh38, 1-based): chr5:37,153,865-37,153,888, GGTGAGCTGCAGAGCTTGGTGCAG duplicated on the plus strand (CTGCACCAAGCTCTGCAGCTCACC on the coding strand, the reverse complement: CPLANE1 is on the minus strand); duplicating any 24 consecutive bases within chr5:37,153,865-37,153,890 gives the same sequence; the c. name uses the placement nearest the transcript's 3' end. VCF-style (leftmost placement, unchanged base first): chr5-37153864-T-TGGTGAGCTGCAGAGCTTGGTGCAG. GRCh37 (hg19) VCF-style: chr5-37153966-T-TGGTGAGCTGCAGAGCTTGGTGCAG.
Other names: c.8063_8086dup, p.His2695_Gln2696insProAlaProSerSerAlaAlaHis (NM_023073.4).
Identifiers: ClinVar variation 5017292 (VCV005017292.1).

ClinVar aggregate classification (germline): Uncertain significance (1 of 4 stars; one submission).

Submission:

GeneDx
Classification: Uncertain significance. Last evaluated: 2026-04-01. Review status: criteria provided, single submitter. Criteria: GeneDx Variant Classification Process June 2021. Collection method: clinical testing. Allele origin: germline.
Comment: Not observed at significant frequency in large population cohorts (gnomAD); In-frame duplication of 8 amino acid(s) in a non-repeat region; Has not been previously published as pathogenic or benign to our knowledge